The following is an entry in ClinVar:

ClinVar aggregate classification (germline): Uncertain significance (1 of 4 stars; one submission).

Conditions:
Hereditary cancer-predisposing syndrome. Also called: Neoplastic Syndromes, Hereditary; Tumor predisposition; Hereditary Cancer Syndrome; Hereditary neoplastic syndrome. Identifiers: Orphanet 140162, MedGen C0027672, MeSH D009386, MONDO:0015356.

Submission:

Ambry Genetics
Classification: Uncertain significance for Hereditary cancer-predisposing syndrome. Last evaluated: 2025-10-10. Review status: criteria provided, single submitter. Criteria: Ambry Variant Classification Scheme 2023. Collection method: clinical testing. Allele origin: germline.
Comment: The p.S288L variant (also known as c.863C>T), located in coding exon 9 of the NF2 gene, results from a C to T substitution at nucleotide position 863. The serine at codon 288 is replaced by leucine, an amino acid with dissimilar properties. This amino acid position is conserved. In addition, this alteration is predicted to be deleterious by in silico analysis. Based on the available evidence, the clinical significance of this variant remains unclear.

NM_000268.4(NF2):c.863C>T (p.Ser288Leu)

Gene: NF2 (NF2, moesin-ezrin-radixin like (MERLIN) tumor suppressor; plus strand). Cytogenetic location: 22q12.2.
Variant type: single nucleotide variant.
Coding change: c.863C>T on transcript NM_000268.4 (MANE Select); coding-DNA position 863, C replaced by T.
Protein change: p.Ser288Leu; replaces serine 288 with leucine.
Molecular consequence: missense variant. On other transcripts: non-coding transcript variant (1), intron variant (1).
Genome position (GRCh38, 1-based): chr22:29,665,042, C>T. VCF-style: chr22-29665042-C-T. GRCh37 (hg19) VCF-style: chr22-30061031-C-T.
Other names: c.749C>T, p.Ser250Leu (NM_001407053.1, NM_001407056.1); c.740C>T, p.Ser247Leu (NM_001407054.1, NM_001407058.1, NM_181829.3); c.737C>T, p.Ser246Leu (NM_001407055.1, NM_181828.3); c.728C>T, p.Ser243Leu (NM_001407057.1, NM_001407059.1); c.863C>T, p.Ser288Leu (NM_001407060.1, NM_001407066.1, NM_016418.5 and 2 more transcripts); c.605C>T, p.Ser202Leu (NM_001407062.1); c.614C>T, p.Ser205Leu (NM_001407063.1, NM_001407064.1, NM_181830.3 and 1 more transcripts); c.329C>T, p.Ser110Leu (NM_001407065.1); and 2 more; short protein forms S202L, S246L, S110L, S288L, S205L, S211L, S250L, S243L.
Identifiers: ClinVar variation 4661410 (VCV004661410.1).